The following is an entry in ClinVar:

ClinVar aggregate classification (germline): Uncertain significance. Review status: criteria provided, multiple submitters, no conflicts (2 of 4 stars). 2 submissions from 2 submitters: Uncertain significance (2). Last evaluated 2024-03-06.

Conditions:
Cardiomyopathy (CMYO). Also called: Cardiomyopathies. Identifiers: Orphanet 167848, MedGen C0878544, MONDO:0004994, HP:0001638. Inheritance: Various modes of inheritance.
Familial isolated arrhythmogenic right ventricular dysplasia. Identifiers: Orphanet 217656, MedGen C4274968, MONDO:0016342.

Allele frequency attached by ClinVar (database versions not stated): TOPMed 0.00002.

Submissions (2):

Color Diagnostics, LLC DBA Color Health
Classification: Uncertain significance for Cardiomyopathy. Last evaluated: 2024-03-06. Review status: criteria provided, single submitter. Criteria: ACMG Guidelines, 2015. Collection method: clinical testing. Allele origin: germline.
Comment: This missense variant replaces glycine with alanine at codon 436 of the DSC2 protein. Computational prediction suggests that this variant may not impact protein structure and function (internally defined REVEL score threshold <= 0.5, PMID: 27666373). To our knowledge, functional studies have not been reported for this variant. This variant has not been reported in individuals affected with DSC2-related disorders in the literature. This variant has been identified in 1/250862 chromosomes in the general population by the Genome Aggregation Database (gnomAD). The available evidence is insufficient to determine the role of this variant in disease conclusively. Therefore, this variant is classified as a Variant of Uncertain Significance.

All of Us Research Program, National Institutes of Health
Classification: Uncertain significance for Familial isolated arrhythmogenic right ventricular dysplasia. Last evaluated: 2023-08-15. Review status: criteria provided, single submitter. Criteria: ACMG Guidelines, 2015. Collection method: clinical testing. Allele origin: germline. Inheritance: Autosomal dominant inheritance. Observed: 2 variant alleles, 2 heterozygotes.
Comment: Variant of Uncertain Significance due to insufficient evidence: This missense variant is located in the extracellular cadherin domain 3 of the DSC2 protein. Computational prediction tools and conservation analyses are inconclusive regarding the impact of this variant on the protein function. Computational splicing tools suggest that this variant may not impact RNA splicing. To our knowledge, functional assays have not been performed for this variant nor has this variant been reported in individuals affected with cardiovascular disorders in the literature. This variant has been identified in 1/245608 chromosomes in the general population by the Genome Aggregation Database (gnomAD). Available evidence is insufficient to determine the pathogenicity of this variant conclusively.

This study involves interpretation of variants in research participants for the purpose of population health screening. Participant phenotype was not available at the time of variant classification. Additional details can be found in publication PMID: 35346344, PMCID: PMC8962531

NM_024422.6(DSC2):c.1307G>C (p.Gly436Ala)

Gene: DSC2 (desmocollin 2; minus strand). Cytogenetic location: 18q12.1.
Variant type: single nucleotide variant.
Coding change: c.1307G>C on transcript NM_024422.6 (MANE Select); coding-DNA position 1307, G replaced by C.
Protein change: p.Gly436Ala; replaces glycine 436 with alanine.
Molecular consequence: missense variant.
Genome position (GRCh38, 1-based): chr18:31,080,309, C>G on the plus strand (G>C on the coding strand, the complement: DSC2 is on the minus strand). VCF-style: chr18-31080309-C-G. GRCh37 (hg19) VCF-style: chr18-28660275-C-G.
Other names: c.1307G>C, p.Gly436Ala (NM_004949.5); short protein forms G436A.
Identifiers: ClinVar variation 925938 (VCV000925938.6), dbSNP rs763981974, ClinGen allele CA297637060.
Genomic context (GRCh38, chr18:31,080,309, plus strand): 5'-GCTGTGCTCATGGCTGATCTTGGACTAGCCTCTCTGGAAAATGGAGCTTCATTAACTACA[C>G]CAATTTGCAAGATCATCTGTTGCTTTTCTTCATAATTCAAAGGCTACGAAAGCAAATGTA-3'
Protein context (NP_077740.1, residues 426-446): EEKQQMILQI[Gly436Ala]VVNEAPFSRE